The following is an entry in ClinVar:

NM_001378609.3(OTOGL):c.860C>T (p.Ser287Leu)

Gene: OTOGL (otogelin like; plus strand). Cytogenetic location: 12q21.31.
Variant type: single nucleotide variant.
Coding change: c.860C>T on transcript NM_001378609.3 (MANE Select); coding-DNA position 860, C replaced by T.
Protein change: p.Ser287Leu; replaces serine 287 with leucine.
Molecular consequence: missense variant.
Genome position (GRCh38, 1-based): chr12:80,238,893, C>T. VCF-style: chr12-80238893-C-T. GRCh37 (hg19) VCF-style: chr12-80632673-C-T.
Other names: c.860C>T, p.Ser287Leu (NM_001368062.3, NM_001378610.3, NM_173591.7); short protein forms S278L, S287L.
Identifiers: ClinVar variation 504844 (VCV000504844.21), dbSNP rs147195954, ClinGen allele CA6700286.
Genomic context (GRCh38, chr12:80,238,893, plus strand): 5'-TGTGCCTGTGTGAAATAGAGGACTATACAGAAGACATCGCTATGTTTGCAAATAGTTGGT[C>T]GGTGCAAACTCCAGATGACACCAAATGTGTACTCACACCCTCAGATTTTCCAAATCCGTG-3'
Protein context (NP_001365538.2, residues 277-297): EDIAMFANSW[Ser287Leu]VQTPDDTKCV

ClinVar aggregate classification (germline): Conflicting classifications of pathogenicity. Review status: criteria provided, conflicting classifications (1 of 4 stars). 6 submissions from 6 submitters: Uncertain significance (1); Likely benign (5). Last evaluated 2026-01-12.

Conditions:
Inborn genetic diseases. Identifiers: MedGen C0950123, MeSH D030342.

Allele frequency attached by ClinVar (database versions not stated): TOPMed 0.00093; ESP Exome Variant Server 0.00098; gnomAD 0.00113 and 0.00116; gnomAD exomes 0.00136 and 0.00084; ExAC 0.00179; 1000 Genomes Project 30x 0.00047; 1000 Genomes Project 0.00060.
gnomAD v4.1: 2,107 of 1,579,910 alleles (0.13%); highest among the groups gnomAD compares: Non-Finnish European, 0.16%; 4 homozygotes.

Submissions (6):

Labcorp Genetics (formerly Invitae), Labcorp
Classification: Likely benign. Last evaluated: 2026-01-12. Review status: criteria provided, single submitter. Criteria: Invitae Variant Classification Sherloc (09022015). Collection method: clinical testing. Allele origin: germline.

Blueprint Genetics
Classification: Likely benign. Last evaluated: 2024-11-22. Review status: criteria provided, single submitter. Criteria: ACMG Guidelines, 2015. Collection method: clinical testing. Allele origin: germline.

GeneDx
Classification: Likely benign. Last evaluated: 2024-05-13. Review status: criteria provided, single submitter. Criteria: GeneDx Variant Classification Process June 2021. Collection method: clinical testing. Allele origin: germline. Affected: yes.
Comment: See Variant Classification Assertion Criteria.

Ambry Genetics
Classification: Likely benign for Inborn genetic diseases. Last evaluated: 2021-10-29. Review status: criteria provided, single submitter. Criteria: Ambry Variant Classification Scheme 2023. Collection method: clinical testing. Allele origin: germline.

Eurofins Ntd Llc (ga)
Classification: Uncertain significance. Last evaluated: 2017-12-20. Review status: criteria provided, single submitter. Criteria: EGL Classification Definitions 2015. Collection method: clinical testing. Allele origin: germline. Observed: 1 variant allele, 1 heterozygote.

Laboratory for Molecular Medicine, Mass General Brigham Personalized Medicine
Classification: Likely benign. Last evaluated: 2017-01-13. Review status: criteria provided, single submitter. Criteria: LMM Criteria. Collection method: clinical testing. Allele origin: germline. Observed: 3 variant alleles.
Comment: p.Ser278Leu in exon 9 of OTOGL: This variant is not expected to have clinical si gnificance due to a lack of conservation across species, including mammals. Of n ote, over 10 mammalian species have a Leu at this position despite high nearby a mino acid conservation. In addition, computational prediction tools do not sugge st a high likelihood of impact to the protein. The variant has also been reporte d in 0.13% (152/108892) of European chromosomes by the Genome Aggregation Datab ase (gnomAD; dbSNP rs147195954).